The following is an entry in ClinVar:

ClinVar aggregate classification (germline): Uncertain significance. Review status: criteria provided, multiple submitters, no conflicts (2 of 4 stars). 2 submissions from 2 submitters: Uncertain significance (2). Last evaluated 2024-11-18.

Conditions:
Primary ciliary dyskinesia 19. Also called: CILIARY DYSKINESIA, PRIMARY, 19, WITH OR WITHOUT SITUS INVERSUS. Identifiers: Orphanet 244, MedGen C3543826, MONDO:0013979, OMIM 614935.
Primary ciliary dyskinesia. Also called: Ciliary dyskinesia. Identifiers: Orphanet 244, MedGen C0008780, MONDO:0016575, HP:0012265.

Allele frequency attached by ClinVar (database versions not stated): ExAC 0.00001; TOPMed 0.00001; gnomAD 0.00002.
gnomAD v4.1: 28 of 1,613,836 alleles (0.0017%); highest among the groups gnomAD compares: East Asian, 0.016%; no homozygotes.

Submissions (2):

Ambry Genetics
Classification: Uncertain significance for Primary ciliary dyskinesia. Last evaluated: 2024-11-18. Review status: criteria provided, single submitter. Criteria: Ambry Variant Classification Scheme 2023. Collection method: clinical testing. Allele origin: germline.

Labcorp Genetics (formerly Invitae), Labcorp
Classification: Uncertain significance for Primary ciliary dyskinesia 19. Last evaluated: 2022-08-13. Review status: criteria provided, single submitter. Criteria: Invitae Variant Classification Sherloc (09022015). Collection method: clinical testing. Allele origin: germline.
Comment: This variant has not been reported in the literature in individuals affected with LRRC6-related conditions. This sequence change replaces arginine, which is basic and polar, with glutamine, which is neutral and polar, at codon 442 of the LRRC6 protein (p.Arg442Gln). This variant is present in population databases (rs758116681, gnomAD 0.007%). Algorithms developed to predict the effect of missense changes on protein structure and function output the following: SIFT: "Tolerated"; PolyPhen-2: "Benign"; Align-GVGD: "Class C0". The glutamine amino acid residue is found in multiple mammalian species, which suggests that this missense change does not adversely affect protein function. In summary, the available evidence is currently insufficient to determine the role of this variant in disease. Therefore, it has been classified as a Variant of Uncertain Significance.

NM_012472.6(DNAAF11):c.1325G>A (p.Arg442Gln)

Gene: DNAAF11 (dynein axonemal assembly factor 11; minus strand). Cytogenetic location: 8q24.22.
Variant type: single nucleotide variant.
Coding change: c.1325G>A on transcript NM_012472.6 (MANE Select); coding-DNA position 1325, G replaced by A.
Protein change: p.Arg442Gln; replaces arginine 442 with glutamine.
Molecular consequence: missense variant. On other transcripts: non-coding transcript variant (10).
Genome position (GRCh38, 1-based): chr8:132,572,382, C>T on the plus strand (G>A on the coding strand, the complement: DNAAF11 is on the minus strand). VCF-style: chr8-132572382-C-T. GRCh37 (hg19) VCF-style: chr8-133584630-C-T.
Other names: c.1325G>A (NM_012472.3); c.1265G>A, p.Arg422Gln (NM_001321961.2); c.1079G>A, p.Arg360Gln (NM_001321962.2); c.965G>A, p.Arg322Gln (NM_001321963.2, NM_001321964.2, NM_001321965.2); c.905G>A, p.Arg302Gln (NM_001321966.2); short protein forms R302Q, R360Q, R442Q, R322Q, R422Q.
Identifiers: ClinVar variation 1968320 (VCV001968320.5), dbSNP rs758116681, ClinGen allele CA4881080.